The following is an entry in ClinVar:

NM_174916.3(UBR1):c.2023-3T>C

Gene: UBR1 (ubiquitin protein ligase E3 component n-recognin 1; minus strand). Cytogenetic location: 15q15.2.
Variant type: single nucleotide variant.
Coding change: c.2023-3T>C on transcript NM_174916.3 (MANE Select); 3 bases into the intron before coding-DNA position 2023, T replaced by C.
Molecular consequence: intron variant.
Genome position (GRCh38, 1-based): chr15:43,036,596, A>G on the plus strand (T>C on the coding strand, the complement: UBR1 is on the minus strand). VCF-style: chr15-43036596-A-G. GRCh37 (hg19) VCF-style: chr15-43328794-A-G.
Other names: c.2023-3T>C (NM_174916.2).
Identifiers: ClinVar variation 3713251 (VCV003713251.4).

ClinVar aggregate classification (germline): Conflicting classifications of pathogenicity. Review status: criteria provided, conflicting classifications (1 of 4 stars). 3 submissions from 3 submitters: Uncertain significance (1); Likely benign (2). Last evaluated 2025-11-06.

Conditions:
UBR1-related disorder. Also called: UBR1-related condition.

gnomAD v4.1: 15 of 1,528,404 alleles (0.00098%); highest among the groups gnomAD compares: Middle Eastern, 0.12%; 1 homozygote.

Submissions (3):

PreventionGenetics, part of Exact Sciences
Classification: Likely benign for UBR1-related condition. Last evaluated: 2025-11-06. Review status: criteria provided, single submitter. Criteria: ACMG Guidelines, 2015. Collection method: clinical testing. Allele origin: germline.
Comment: This variant is classified as likely benign based on ACMG/AMP sequence variant interpretation guidelines (Richards et al. 2015 PMID: 25741868, with internal and published modifications).

Labcorp Genetics (formerly Invitae), Labcorp
Classification: Uncertain significance. Last evaluated: 2024-11-30. Review status: criteria provided, single submitter. Criteria: Invitae Variant Classification Sherloc (09022015). Collection method: clinical testing. Allele origin: germline.
Comment: This sequence change falls in intron 17 of the UBR1 gene. It does not directly change the encoded amino acid sequence of the UBR1 protein. It affects a nucleotide within the consensus splice site. This variant is present in population databases (rs770811835, gnomAD no frequency). This variant has not been reported in the literature in individuals affected with UBR1-related conditions. Variants that disrupt the consensus splice site are a relatively common cause of aberrant splicing (PMID: 17576681, 9536098). Algorithms developed to predict the effect of sequence changes on RNA splicing suggest that this variant is not likely to affect RNA splicing. In summary, the available evidence is currently insufficient to determine the role of this variant in disease. Therefore, it has been classified as a Variant of Uncertain Significance.

Blueprint Genetics
Classification: Likely benign. Last evaluated: 2024-07-26. Review status: criteria provided, single submitter. Criteria: ACMG Guidelines, 2015. Collection method: clinical testing. Allele origin: germline.

Literature cited by the submitters: PubMed 17576681 (cited by Labcorp Genetics (formerly Invitae), Labcorp); PubMed 9536098 (cited by Labcorp Genetics (formerly Invitae), Labcorp).